The following is an entry in ClinVar:

ClinVar aggregate classification (germline): Benign (1 of 4 stars; one submission).

Allele frequency attached by ClinVar (database versions not stated): gnomAD 0.19109 and 0.19814; TOPMed 0.19793; 1000 Genomes Project 30x 0.29622; 1000 Genomes Project 0.30631.
gnomAD v4.1: 29,999 of 152,036 alleles (20%); highest among the groups gnomAD compares: East Asian, 56%; 3,643 homozygotes.

Submission:

GeneDx
Classification: Benign. Last evaluated: 2018-06-18. Review status: criteria provided, single submitter. Criteria: GeneDx Variant Classification (06012015). Collection method: clinical testing. Allele origin: germline. Affected: yes.
Comment: This variant is considered likely benign or benign based on one or more of the following criteria: it is a conservative change, it occurs at a poorly conserved position in the protein, it is predicted to be benign by multiple in silico algorithms, and/or has population frequency not consistent with disease.

NM_001005242.3(PKP2):c.2014-185G>C

Gene: PKP2 (plakophilin 2; minus strand). Cytogenetic location: 12p11.21.
Variant type: single nucleotide variant.
Coding change: c.2014-185G>C on transcript NM_001005242.3 (MANE Select); 185 bases into the intron before coding-DNA position 2014, G replaced by C.
Molecular consequence: intron variant.
Genome position (GRCh38, 1-based): chr12:32,802,741, C>G on the plus strand (G>C on the coding strand, the complement: PKP2 is on the minus strand). VCF-style: chr12-32802741-C-G. GRCh37 (hg19) VCF-style: chr12-32955675-C-G.
Other names: c.2146-185G>C (NM_004572.4).
Identifiers: ClinVar variation 672400 (VCV000672400.1), dbSNP rs12299188, ClinGen allele CA16441097.